The following is an entry in ClinVar:

NM_001347721.2(DYRK1A):c.896_897del (p.Phe299fs)

Gene: DYRK1A (dual specificity tyrosine phosphorylation regulated kinase 1A; plus strand). Cytogenetic location: 21q22.13.
Variant type: Deletion.
Coding change: c.896_897del on transcript NM_001347721.2 (MANE Select); coding-DNA positions 896 to 897, 2 bases deleted (TT; older notation c.896_897delTT).
Protein change: p.Phe299fs; shifts the reading frame from phenylalanine 299.
Molecular consequence: frameshift variant.
Genome position (GRCh38, 1-based): chr21:37,490,433-37,490,434, TT deleted; deleting any 2 consecutive bases within chr21:37,490,432-37,490,434 gives the same sequence; the c. name uses the placement nearest the transcript's 3' end. VCF-style (leftmost placement, unchanged base first): chr21-37490431-CTT-C. GRCh37 (hg19) VCF-style: chr21-38862733-CTT-C.
Other names: c.896_897del, p.Phe299fs (NM_001347722.2, NM_130436.2); c.809_810del, p.Phe270fs (NM_001347723.2); c.923_924del, p.Phe308fs (NM_001396.5, NM_101395.2, NM_130438.2); short protein forms F270fs, F299fs, F308fs.
Identifiers: ClinVar variation 4852222 (VCV004852222.1).

ClinVar aggregate classification (germline): Likely pathogenic (1 of 4 stars; one submission).

Conditions:
DYRK1A-related intellectual disability syndrome (MRD7). Also called: Intellectual developmental disorder, autosomal dominant 7; DYRK1A Syndrome. Identifiers: Orphanet 464306, MedGen C5568143, MONDO:0013578, OMIM 614104.

Submission:

Variantyx, Inc.
Classification: Likely pathogenic for DYRK1A-related intellectual disability syndrome. Last evaluated: 2025-06-03. Review status: criteria provided, single submitter. Criteria: Variantyx Assertion Criteria 2022. Collection method: clinical testing. Allele origin: germline. Inheritance: Autosomal dominant inheritance. Affected: yes.
Comment: This is a frameshift variant in the DYRK1A gene (OMIM: 600855). Pathogenic variants in this gene have been associated with autosomal dominant intellectual developmental disorder 7. This variant introduces a premature termination codon in exon 7 out of 12 and is expected to result in loss of function, which is a known disease mechanism for DYRK1A in this disorder (PMID:25707398)(PVS1). This variant is absent from control populations (PM2). Based on the current evidence, this variant is classified as likely pathogenic for autosomal dominant intellectual developmental disorder 7.

Literature cited by the submitters: PubMed 25707398.